The following is an entry in ClinVar:

ClinVar aggregate classification (germline): Likely pathogenic (1 of 4 stars; one submission).

Submission:

Labcorp Genetics (formerly Invitae), Labcorp
Classification: Likely pathogenic. Last evaluated: 2023-10-05. Review status: criteria provided, single submitter. Criteria: Invitae Variant Classification Sherloc (09022015). Collection method: clinical testing. Allele origin: unknown.
Comment: This variant results in a copy number gain of the genomic region encompassing exon(s) 19 of the EYS gene. While the exact position of this variant cannot be determined from the data, sub-genic copy number gains are generally in tandem (PMID: 25640679). This variant is predicted to be out-of-frame, and may result in an absent or disrupted protein product. Loss-of-function variants in EYS are known to be pathogenic (PMID: 18836446, 20333770). This variant has not been reported in the literature in individuals affected with EYS-related conditions. In summary, the currently available evidence indicates that the variant is pathogenic, but additional data are needed to prove that conclusively. Therefore, this variant has been classified as Likely Pathogenic.

Literature cited by the submitters: PubMed 25640679; PubMed 18836446; PubMed 20333770.

NC_000006.11:g.(?_65596570)_(65596755_?)dup

Gene: EYS (eyes shut homolog; minus strand). Cytogenetic location: 6q12.
Variant type: Duplication.
Identifiers: ClinVar variation 3246129 (VCV003246129.1).